The following is an entry in ClinVar:

NM_182961.4(SYNE1):c.23694G>C (p.Arg7898Ser)

Gene: SYNE1 (spectrin repeat containing nuclear envelope protein 1; minus strand). Cytogenetic location: 6q25.2.
Variant type: single nucleotide variant.
Coding change: c.23694G>C on transcript NM_182961.4 (MANE Select); coding-DNA position 23694, G replaced by C.
Protein change: p.Arg7898Ser; replaces arginine 7898 with serine.
Molecular consequence: missense variant.
Genome position (GRCh38, 1-based): chr6:152,164,259, C>G on the plus strand (G>C on the coding strand, the complement: SYNE1 is on the minus strand). VCF-style: chr6-152164259-C-G. GRCh37 (hg19) VCF-style: chr6-152485394-C-G.
Other names: c.300G>C, p.Arg100Ser (NM_001347701.2); c.159G>C, p.Arg53Ser (NM_001347702.2); c.23481G>C, p.Arg7827Ser (NM_033071.5); short protein forms R100S, R53S, R7827S, R7898S.
Identifiers: ClinVar variation 1810047 (VCV001810047.1), dbSNP rs1028548586, ClinGen allele CA366088887.

ClinVar aggregate classification (germline): Uncertain significance (1 of 4 stars; one submission).

Submission:

GeneDx
Classification: Uncertain significance. Last evaluated: 2022-06-30. Review status: criteria provided, single submitter. Criteria: GeneDx Variant Classification Process June 2021. Collection method: clinical testing. Allele origin: germline. Affected: yes.
Comment: Not observed at significant frequency in large population cohorts (gnomAD); In silico analysis supports that this missense variant has a deleterious effect on protein structure/function; Has not been previously published as pathogenic or benign to our knowledge